The following is an entry in ClinVar:

ClinVar aggregate classification (germline): Uncertain significance (1 of 4 stars; one submission).

Allele frequency attached by ClinVar (database versions not stated): gnomAD exomes below 0.00001; ExAC 0.00001; TOPMed 0.00005; gnomAD 0.00007; ESP Exome Variant Server 0.00008.
gnomAD v4.1: 13 of 1,613,240 alleles (0.00081%); highest among the groups gnomAD compares: African/African-American, 0.017%; no homozygotes.

Submission:

Labcorp Genetics (formerly Invitae), Labcorp
Classification: Uncertain significance. Last evaluated: 2021-04-21. Review status: criteria provided, single submitter. Criteria: Invitae Variant Classification Sherloc (09022015). Collection method: clinical testing. Allele origin: germline.
Comment: This sequence change replaces glycine with valine at codon 307 of the C7 protein (p.Gly307Val). The glycine residue is highly conserved and there is a moderate physicochemical difference between glycine and valine. In summary, the available evidence is currently insufficient to determine the role of this variant in disease. Therefore, it has been classified as a Variant of Uncertain Significance. Algorithms developed to predict the effect of missense changes on protein structure and function are either unavailable or do not agree on the potential impact of this missense change (SIFT: "Deleterious"; PolyPhen-2: "Probably Damaging"; Align-GVGD: "Class C0"). This variant has not been reported in the literature in individuals with C7-related conditions. This variant is present in population databases (rs370684980, ExAC 0.01%).

NM_000587.4(C7):c.920G>T (p.Gly307Val)

Gene: C7 (complement C7; plus strand). Cytogenetic location: 5p13.1.
Variant type: single nucleotide variant.
Coding change: c.920G>T on transcript NM_000587.4 (MANE Select); coding-DNA position 920, G replaced by T.
Protein change: p.Gly307Val; replaces glycine 307 with valine.
Molecular consequence: missense variant.
Genome position (GRCh38, 1-based): chr5:40,947,783, G>T. VCF-style: chr5-40947783-G-T. GRCh37 (hg19) VCF-style: chr5-40947885-G-T.
Other names: short protein forms G307V.
Identifiers: ClinVar variation 1494551 (VCV001494551.6), dbSNP rs370684980, ClinGen allele CA3249790.